The following is an entry in ClinVar:

ClinVar aggregate classification (germline): Uncertain significance. Review status: criteria provided, multiple submitters, no conflicts (2 of 4 stars). 2 submissions from 2 submitters: Uncertain significance (2). Last evaluated 2023-01-31.

Conditions:
Ataxia-telangiectasia syndrome (AT). Also called: Ataxia-telangiectasia, complementation group D; AT, COMPLEMENTATION GROUP C; Ataxia-telangiectasia; Ataxia telangiectasia (A-T); Cerebello-oculocutaneous telangiectasia; Immunodeficiency with ataxia telangiectasia. Identifiers: Orphanet 100, MedGen C0004135, MONDO:0008840, OMIM 208900.
Hereditary cancer-predisposing syndrome. Also called: Neoplastic Syndromes, Hereditary; Hereditary neoplastic syndrome; Tumor predisposition; Hereditary Cancer Syndrome. Identifiers: Orphanet 140162, MedGen C0027672, MeSH D009386, MONDO:0015356.

Submissions (2):

Ambry Genetics
Classification: Uncertain significance for Hereditary cancer-predisposing syndrome. Last evaluated: 2023-01-31. Review status: criteria provided, single submitter. Criteria: Ambry Variant Classification Scheme 2023. Collection method: clinical testing. Allele origin: germline.
Comment: The p.A1742V variant (also known as c.5225C>T), located in coding exon 34 of the ATM gene, results from a C to T substitution at nucleotide position 5225. The alanine at codon 1742 is replaced by valine, an amino acid with similar properties. This amino acid position is conserved. In addition, the in silico prediction for this alteration is inconclusive. Since supporting evidence is limited at this time, the clinical significance of this alteration remains unclear.

Labcorp Genetics (formerly Invitae), Labcorp
Classification: Uncertain significance for Ataxia-telangiectasia syndrome. Last evaluated: 2022-06-22. Review status: criteria provided, single submitter. Criteria: Invitae Variant Classification Sherloc (09022015). Collection method: clinical testing. Allele origin: germline.
Comment: In summary, the available evidence is currently insufficient to determine the role of this variant in disease. Therefore, it has been classified as a Variant of Uncertain Significance. Advanced modeling of protein sequence and biophysical properties (such as structural, functional, and spatial information, amino acid conservation, physicochemical variation, residue mobility, and thermodynamic stability) performed at Invitae indicates that this missense variant is not expected to disrupt ATM protein function. This variant has not been reported in the literature in individuals affected with ATM-related conditions. This variant is not present in population databases (gnomAD no frequency). This sequence change replaces alanine, which is neutral and non-polar, with valine, which is neutral and non-polar, at codon 1742 of the ATM protein (p.Ala1742Val).

NM_000051.4(ATM):c.5225C>T (p.Ala1742Val)

Gene: ATM (ATM serine/threonine kinase; plus strand). Cytogenetic location: 11q22.3.
Variant type: single nucleotide variant.
Coding change: c.5225C>T on transcript NM_000051.4 (MANE Select); coding-DNA position 5225, C replaced by T.
Protein change: p.Ala1742Val; replaces alanine 1742 with valine.
Molecular consequence: missense variant.
Genome position (GRCh38, 1-based): chr11:108,301,695, C>T. VCF-style: chr11-108301695-C-T. GRCh37 (hg19) VCF-style: chr11-108172422-C-T.
Other names: c.5225C>T, p.Ala1742Val (NM_001351834.2); short protein forms A1742V.
Identifiers: ClinVar variation 1942483 (VCV001942483.7), dbSNP rs2135912945, ClinGen allele CA382542335.